The following is an entry in ClinVar:

NM_000452.3(SLC10A2):c.45T>C (p.Ser15=)

Gene: SLC10A2 (solute carrier family 10 member 2; minus strand). Cytogenetic location: 13q33.1.
Variant type: single nucleotide variant.
Coding change: c.45T>C on transcript NM_000452.3 (MANE Select); coding-DNA position 45, T replaced by C.
Protein change: p.Ser15=; no amino-acid change (serine 15 retained).
Molecular consequence: synonymous variant.
Genome position (GRCh38, 1-based): chr13:103,066,205, A>G on the plus strand (T>C on the coding strand, the complement: SLC10A2 is on the minus strand). VCF-style: chr13-103066205-A-G. GRCh37 (hg19) VCF-style: chr13-103718555-A-G.
Other names: c.45T>C (NM_000452.2).
Identifiers: ClinVar variation 502058 (VCV000502058.10), dbSNP rs374581163, ClinGen allele CA7042361.

ClinVar aggregate classification (germline): Conflicting classifications of pathogenicity. Review status: criteria provided, conflicting classifications (1 of 4 stars). 3 submissions from 3 submitters: Uncertain significance (1); Likely benign (2). Last evaluated 2025-05-22.

Conditions:
SLC10A2-related disorder. Also called: SLC10A2-related condition.

Allele frequency attached by ClinVar (database versions not stated): gnomAD 0.00001 and 0.00002; gnomAD exomes 0.00001 and 0.00007; TOPMed 0.00001; ExAC 0.00006.
gnomAD v4.1: 20 of 1,613,796 alleles (0.0012%); highest among the groups gnomAD compares: East Asian, 0.036%; no homozygotes.

Submissions (3):

PreventionGenetics, part of Exact Sciences
Classification: Likely benign for SLC10A2-related condition. Last evaluated: 2025-05-22. Review status: criteria provided, single submitter. Criteria: ACMG Guidelines, 2015. Collection method: clinical testing. Allele origin: germline.
Comment: This variant is classified as likely benign based on ACMG/AMP sequence variant interpretation guidelines (Richards et al. 2015 PMID: 25741868, with internal and published modifications).

Labcorp Genetics (formerly Invitae), Labcorp
Classification: Likely benign. Last evaluated: 2024-08-13. Review status: criteria provided, single submitter. Criteria: Invitae Variant Classification Sherloc (09022015). Collection method: clinical testing. Allele origin: germline.

Eurofins Ntd Llc (ga)
Classification: Uncertain significance. Last evaluated: 2017-05-19. Review status: criteria provided, single submitter. Criteria: EGL Classification Definitions 2015. Collection method: clinical testing. Allele origin: germline. Observed: 1 variant allele, 1 heterozygote.